The following is an entry in ClinVar:

ClinVar aggregate classification (germline): Uncertain significance (1 of 4 stars; one submission).

Conditions:
Neurofibromatosis, type 1 (NF1). Also called: VON RECKLINGHAUSEN DISEASE; Peripheral type neurofibromatosis; Neurofibromatosis, type I; NEUROFIBROMATOSIS, TYPE I, SOMATIC. Identifiers: Orphanet 636, MedGen C0027831, MONDO:0018975, OMIM 162200. Disease mechanism: loss of function.

Submission:

Labcorp Genetics (formerly Invitae), Labcorp
Classification: Uncertain significance for Neurofibromatosis, type 1. Last evaluated: 2020-11-26. Review status: criteria provided, single submitter. Criteria: Invitae Variant Classification Sherloc (09022015). Collection method: clinical testing. Allele origin: germline.
Comment: In summary, the available evidence is currently insufficient to determine the role of this variant in disease. Therefore, it has been classified as a Variant of Uncertain Significance. Advanced modeling of protein sequence and biophysical properties (such as structural, functional, and spatial information, amino acid conservation, physicochemical variation, residue mobility, and thermodynamic stability) performed at Invitae indicates that this missense variant is not expected to disrupt NF1 protein function. This variant has not been reported in the literature in individuals with NF1-related conditions. This variant is not present in population databases (ExAC no frequency). This sequence change replaces tyrosine with asparagine at codon 491 of the NF1 protein (p.Tyr491Asn). The tyrosine residue is weakly conserved and there is a large physicochemical difference between tyrosine and asparagine.

NM_001042492.3(NF1):c.1471T>A (p.Tyr491Asn)

Gene: NF1 (neurofibromin 1; plus strand). Cytogenetic location: 17q11.2.
Variant type: single nucleotide variant.
Coding change: c.1471T>A on transcript NM_001042492.3 (MANE Select); coding-DNA position 1471, T replaced by A.
Protein change: p.Tyr491Asn; replaces tyrosine 491 with asparagine.
Molecular consequence: missense variant.
Genome position (GRCh38, 1-based): chr17:31,214,529, T>A. VCF-style: chr17-31214529-T-A. GRCh37 (hg19) VCF-style: chr17-29541547-T-A.
Other names: c.1471T>A, p.Tyr491Asn (NM_000267.4, NM_001128147.3); short protein forms Y491N.
Identifiers: ClinVar variation 1351445 (VCV001351445.8), dbSNP rs2143959726, ClinGen allele CA399001584.